The following is an entry in ClinVar:

ClinVar aggregate classification (germline): Uncertain significance (1 of 4 stars; one submission).

Conditions:
Charcot-Marie-Tooth disease axonal type 2P. Also called: Charcot-Marie-Tooth Neuropathy Type 2G; CHARCOT-MARIE-TOOTH NEUROPATHY, TYPE 2P; CHARCOT-MARIE-TOOTH DISEASE, AXONAL, TYPE 2G; CMT 2G. Identifiers: Orphanet 300319, Orphanet 99941, MedGen C3280797, MONDO:0013753, OMIM 614436.

Submission:

Labcorp Genetics (formerly Invitae), Labcorp
Classification: Uncertain significance for Charcot-Marie-Tooth disease axonal type 2P. Last evaluated: 2019-07-22. Review status: criteria provided, single submitter. Criteria: Invitae Variant Classification Sherloc (09022015). Collection method: clinical testing. Allele origin: germline.
Comment: In summary, the available evidence is currently insufficient to determine the role of this variant in disease. Therefore, it has been classified as a Variant of Uncertain Significance. Algorithms developed to predict the effect of missense changes on protein structure and function (SIFT, PolyPhen-2, Align-GVGD) all suggest that this variant is likely to be tolerated, but these predictions have not been confirmed by published functional studies and their clinical significance is uncertain. This variant has not been reported in the literature in individuals with LRSAM1-related conditions. This variant is not present in population databases (ExAC no frequency). This sequence change replaces lysine with arginine at codon 58 of the LRSAM1 protein (p.Lys58Arg). The lysine residue is highly conserved and there is a small physicochemical difference between lysine and arginine.

NM_001005373.4(LRSAM1):c.173A>G (p.Lys58Arg)

Gene: LRSAM1 (leucine rich repeat and sterile alpha motif containing 1; plus strand). Cytogenetic location: 9q33.3.
Variant type: single nucleotide variant.
Coding change: c.173A>G on transcript NM_001005373.4 (MANE Select); coding-DNA position 173, A replaced by G.
Protein change: p.Lys58Arg; replaces lysine 58 with arginine.
Molecular consequence: missense variant. On other transcripts: 5 prime UTR variant (1), non-coding transcript variant (2).
Genome position (GRCh38, 1-based): chr9:127,455,619, A>G. VCF-style: chr9-127455619-A-G. GRCh37 (hg19) VCF-style: chr9-130217898-A-G.
Other names: c.173A>G, p.Lys58Arg (NM_001005374.4, NM_001190723.3, NM_001384142.1 and 2 more transcripts); c.-612A>G (NM_001384144.1); short protein forms K58R.
Identifiers: ClinVar variation 949107 (VCV000949107.9), dbSNP rs1235938569, ClinGen allele CA374963074.